The following is an entry in ClinVar:

NM_182493.3(MYLK3):c.1364del (p.Asn455fs)

Gene: MYLK3 (myosin light chain kinase 3; minus strand). Cytogenetic location: 16q11.2.
Variant type: Deletion.
Coding change: c.1364del on transcript NM_182493.3 (MANE Select); coding-DNA position 1364, one base deleted (A; older notation c.1364delA).
Protein change: p.Asn455fs; shifts the reading frame from asparagine 455.
Molecular consequence: frameshift variant.
Genome position (GRCh38, 1-based): chr16:46,732,306, T deleted on the plus strand (A on the coding strand, the reverse complement: MYLK3 is on the minus strand); the first of 3 consecutive T bases (chr16:46,732,306-46,732,308); deleting any one gives the same sequence. VCF-style (leftmost placement, unchanged base first): chr16-46732305-GT-G. GRCh37 (hg19) VCF-style: chr16-46766217-GT-G.
Other names: c.341del, p.Asn114fs (NM_001308301.1); short protein forms N114fs, N455fs.
Identifiers: ClinVar variation 3722618 (VCV003722618.2).

ClinVar aggregate classification (germline): Uncertain significance (1 of 4 stars; one submission).

Submission:

Labcorp Genetics (formerly Invitae), Labcorp
Classification: Uncertain significance. Last evaluated: 2024-10-10. Review status: criteria provided, single submitter. Criteria: Invitae Variant Classification Sherloc (09022015). Collection method: clinical testing. Allele origin: germline.
Comment: This sequence change creates a premature translational stop signal (p.Asn455Thrfs*14) in the MYLK3 gene. It is expected to result in an absent or disrupted protein product. However, the current clinical and genetic evidence is not sufficient to establish whether loss-of-function variants in MYLK3 cause disease. This variant is not present in population databases (gnomAD no frequency). This variant has not been reported in the literature in individuals affected with MYLK3-related conditions. In summary, the available evidence is currently insufficient to determine the role of this variant in disease. Therefore, it has been classified as a Variant of Uncertain Significance.